The following is an entry in ClinVar:

ClinVar aggregate classification (germline): Likely benign. Review status: criteria provided, single submitter (1 of 4 stars). 2 submissions from 2 submitters: Likely benign (1). 1 of the submissions does not count toward it. Last evaluated 2024-05-31.

Conditions:
TBL1XR1-related disorder. Also called: TBL1XR1-related condition; TBL1XR1-related disorders. Identifiers: MedGen CN382633, MONDO:1060313.
Pierpont syndrome (PRPTS). Identifiers: Orphanet 487825, MedGen C1865644, MONDO:0011213, OMIM 602342.

Allele frequency attached by ClinVar (database versions not stated): 1000 Genomes Project 30x 0.00031.
gnomAD v4.1: 61 of 1,613,574 alleles (0.0038%); highest among the groups gnomAD compares: Non-Finnish European, 0.0051%; no homozygotes.

Submissions (2):

Labcorp Genetics (formerly Invitae), Labcorp
Classification: Likely benign for Pierpont syndrome. Last evaluated: 2024-05-31. Review status: criteria provided, single submitter. Criteria: Invitae Variant Classification Sherloc (09022015). Collection method: clinical testing. Allele origin: germline.

PreventionGenetics, part of Exact Sciences
Classification: Likely benign for TBL1XR1-related condition. Last evaluated: 2023-04-27. Review status: no assertion criteria provided. Collection method: clinical testing. Allele origin: germline. Not counted in ClinVar's aggregate classification.
Comment: This variant is classified as likely benign based on ACMG/AMP sequence variant interpretation guidelines (Richards et al. 2015 PMID: 25741868, with internal and published modifications).

NM_024665.7(TBL1XR1):c.138C>G (p.Pro46=)

Gene: TBL1XR1 (TBL1X/Y related 1; minus strand). Cytogenetic location: 3q26.32.
Variant type: single nucleotide variant.
Coding change: c.138C>G on transcript NM_024665.7 (MANE Select); coding-DNA position 138, C replaced by G.
Protein change: p.Pro46=; no amino-acid change (proline 46 retained).
Molecular consequence: synonymous variant. On other transcripts: 5 prime UTR variant (2).
Genome position (GRCh38, 1-based): chr3:177,053,839, G>C on the plus strand (C>G on the coding strand, the complement: TBL1XR1 is on the minus strand). VCF-style: chr3-177053839-G-C. GRCh37 (hg19) VCF-style: chr3-176771627-G-C.
Other names: c.138C>G (NM_024665.5); c.138C>G, p.Pro46= (NM_001321193.3, NM_001321194.3, NM_001374327.1 and 2 more transcripts); c.-124C>G (NM_001321195.3, NM_001374330.1).
Identifiers: ClinVar variation 2201792 (VCV002201792.6), dbSNP rs373988821, ClinGen allele CA2710051.